The following is an entry in ClinVar:

ClinVar aggregate classification (germline): Conflicting classifications of pathogenicity. Review status: criteria provided, conflicting classifications (1 of 4 stars). 2 submissions from 2 submitters: Uncertain significance (1); Likely benign (1). Last evaluated 2025-06-09.

Allele frequency attached by ClinVar (database versions not stated): gnomAD 0.00006 and 0.00007; gnomAD exomes 0.00006; TOPMed 0.00006; ExAC 0.00008.
gnomAD v4.1: 103 of 1,614,060 alleles (0.0064%); highest among the groups gnomAD compares: East Asian, 0.036%; no homozygotes.

Submissions (2):

Labcorp Genetics (formerly Invitae), Labcorp
Classification: Likely benign. Last evaluated: 2025-06-09. Review status: criteria provided, single submitter. Criteria: Invitae Variant Classification Sherloc (09022015). Collection method: clinical testing. Allele origin: germline.

Women's Health and Genetics/Laboratory Corporation of America, LabCorp
Classification: Uncertain significance. Last evaluated: 2024-12-02. Review status: criteria provided, single submitter. Criteria: LabCorp Variant Classification Summary - May 2015. Collection method: clinical testing. Allele origin: germline.
Comment: Variant summary: COL4A2 c.4355G>A (p.Arg1452Gln) results in a conservative amino acid change in the encoded protein sequence. Three of five in-silico tools predict a damaging effect of the variant on protein function. The variant allele was found at a frequency of 6e-05 in 249278 control chromosomes, predominantly in the East Asian control population at a frequency of 0.00033 in 17956 control chromosomes. This frequency is not significantly higher than estimated for a pathogenic variant in COL4A2 causing Porencephaly 2, however, the frequency provides evidence that the variant could be benign. To our knowledge, no occurrence of c.4355G>A in individuals affected with Porencephaly 2 and no experimental evidence demonstrating its impact on protein function have been reported. ClinVar contains an entry for this variant (Variation ID: 1585223). Based on the evidence outlined above, the variant was classified as VUS-possibly benign.

NM_001846.4(COL4A2):c.4355G>A (p.Arg1452Gln)

Genes: COL4A2 (collagen type IV alpha 2 chain; plus strand), COL4A2-AS1 (COL4A2 antisense RNA 1; minus strand). Cytogenetic location: 13q34.
Variant type: single nucleotide variant.
Coding change: c.4355G>A on transcript NM_001846.4 (MANE Select); coding-DNA position 4355, G replaced by A.
Protein change: p.Arg1452Gln; replaces arginine 1452 with glutamine.
Molecular consequence: missense variant.
Genome position (GRCh38, 1-based): chr13:110,504,217, G>A. VCF-style: chr13-110504217-G-A. GRCh37 (hg19) VCF-style: chr13-111156564-G-A.
Other names: short protein forms R1452Q.
Identifiers: ClinVar variation 1585223 (VCV001585223.9), dbSNP rs766357778, ClinGen allele CA7050503.
Genomic context (GRCh38, chr13:110,504,217, plus strand): 5'-GGGCTCCAGGGAAAGCTGGGCCCCAAGGAAGAGGTGGTGTGTCTGCTGTTCCCGGCTTCC[G>A]GGGAGATGAAGGACCCATAGGCCACCAGGGGCCGATTGGCCAAGAAGGTGAGTGACAGTG-3'
Protein context (NP_001837.2, residues 1442-1462): RGGVSAVPGF[Arg1452Gln]GDEGPIGHQG